The following is an entry in ClinVar:

ClinVar aggregate classification (germline): Likely pathogenic (1 of 4 stars; one submission).

Conditions:
Primary ciliary dyskinesia. Also called: Ciliary dyskinesia. Identifiers: Orphanet 244, MedGen C0008780, MONDO:0016575, HP:0012265.

gnomAD v4.1: 24 of 1,613,782 alleles (0.0015%); highest among the groups gnomAD compares: Non-Finnish European, 0.002%; no homozygotes.

Submission:

Labcorp Genetics (formerly Invitae), Labcorp
Classification: Likely pathogenic for Primary ciliary dyskinesia. Last evaluated: 2026-01-24. Review status: criteria provided, single submitter. Criteria: Invitae Variant Classification Sherloc (09022015). Collection method: clinical testing. Allele origin: germline.
Comment: This sequence change affects an acceptor splice site in intron 72 of the DNAH8 gene. It is expected to disrupt RNA splicing. Variants that disrupt the donor or acceptor splice site typically lead to a loss of protein function (PMID: 16199547), and loss-of-function variants in DNAH8 are known to be pathogenic (PMID: 24307375, 32619401, 32681648). This variant is present in population databases (no rsID available, gnomAD 0.0009%). This variant has not been reported in the literature in individuals affected with DNAH8-related conditions. Algorithms developed to predict the effect of sequence changes on RNA splicing suggest that this variant may disrupt the consensus splice site. In summary, the currently available evidence indicates that the variant is pathogenic, but additional data are needed to prove that conclusively. Therefore, this variant has been classified as Likely Pathogenic.

Literature cited by the submitters: PubMed 16199547; PubMed 24307375; PubMed 32619401; PubMed 32681648.

NM_001206927.2(DNAH8):c.10791-2A>G

Genes: DNAH8 (dynein axonemal heavy chain 8; plus strand), DNAH8-AS1 (DNAH8 antisense RNA 1; minus strand). Cytogenetic location: 6p21.2.
Variant type: single nucleotide variant.
Coding change: c.10791-2A>G on transcript NM_001206927.2 (MANE Select); the canonical splice acceptor site of the intron before coding-DNA position 10791, A replaced by G.
Molecular consequence: splice acceptor variant.
Genome position (GRCh38, 1-based): chr6:38,923,989, A>G. VCF-style: chr6-38923989-A-G. GRCh37 (hg19) VCF-style: chr6-38891765-A-G.
Other names: c.10140-2A>G (NM_001371.4).
Identifiers: ClinVar variation 4763969 (VCV004763969.1).
Genomic context (GRCh38, chr6:38,923,989, plus strand): 5'-TCTCAAACAACTTAATGTCAGGTGACTCACTTTGGGGAGGGGGCTGTGTGTTTTCTTCAC[A>G]GACTTGTAGGTGATATTCTGCTGTGCACGGGATTCCTTTCCTACCTTGGTCCTTTCAATC-3'